The following is an entry in ClinVar:

ClinVar aggregate classification (germline): Uncertain significance (1 of 4 stars; one submission).

Conditions:
Primary ciliary dyskinesia. Also called: Ciliary dyskinesia. Identifiers: Orphanet 244, MedGen C0008780, MONDO:0016575, HP:0012265.

Allele frequency attached by ClinVar (database versions not stated): gnomAD exomes below 0.00001; ExAC 0.00001; gnomAD 0.00001; TOPMed 0.00001.
gnomAD v4.1: 7 of 1,613,740 alleles (0.00043%); highest among the groups gnomAD compares: South Asian, 0.0011%; no homozygotes.

Submission:

Labcorp Genetics (formerly Invitae), Labcorp
Classification: Uncertain significance for Primary ciliary dyskinesia. Last evaluated: 2022-06-22. Review status: criteria provided, single submitter. Criteria: Invitae Variant Classification Sherloc (09022015). Collection method: clinical testing. Allele origin: germline.
Comment: This sequence change replaces arginine, which is basic and polar, with histidine, which is basic and polar, at codon 1099 of the CCDC40 protein (p.Arg1099His). This variant is present in population databases (rs759177015, gnomAD 0.003%). This variant has not been reported in the literature in individuals affected with CCDC40-related conditions. Algorithms developed to predict the effect of missense changes on protein structure and function are either unavailable or do not agree on the potential impact of this missense change (SIFT: "Deleterious"; PolyPhen-2: "Possibly Damaging"; Align-GVGD: "Class C0"). In summary, the available evidence is currently insufficient to determine the role of this variant in disease. Therefore, it has been classified as a Variant of Uncertain Significance.

NM_017950.4(CCDC40):c.3296G>A (p.Arg1099His)

Gene: CCDC40 (coiled-coil domain 40 molecular ruler complex subunit; plus strand). Cytogenetic location: 17q25.3.
Variant type: single nucleotide variant.
Coding change: c.3296G>A on transcript NM_017950.4 (MANE Select); coding-DNA position 3296, G replaced by A.
Protein change: p.Arg1099His; replaces arginine 1099 with histidine.
Molecular consequence: missense variant.
Genome position (GRCh38, 1-based): chr17:80,099,642, G>A. VCF-style: chr17-80099642-G-A. GRCh37 (hg19) VCF-style: chr17-78073441-G-A.
Other names: short protein forms R1099H.
Identifiers: ClinVar variation 1980856 (VCV001980856.1), dbSNP rs759177015, ClinGen allele CA8814702.